The following is an entry in ClinVar:

NM_020987.5(ANK3):c.11210G>A (p.Gly3737Asp)

Gene: ANK3 (ankyrin 3; minus strand). Cytogenetic location: 10q21.2.
Variant type: single nucleotide variant.
Coding change: c.11210G>A on transcript NM_020987.5 (MANE Select); coding-DNA position 11210, G replaced by A.
Protein change: p.Gly3737Asp; replaces glycine 3737 with aspartic acid.
Molecular consequence: missense variant. On other transcripts: intron variant (4).
Genome position (GRCh38, 1-based): chr10:60,069,671, C>T on the plus strand (G>A on the coding strand, the complement: ANK3 is on the minus strand). VCF-style: chr10-60069671-C-T. GRCh37 (hg19) VCF-style: chr10-61829429-C-T.
Other names: c.4388-1662G>A (NM_001204403.2); c.4409-1662G>A (NM_001204404.2); c.4406-1662G>A (NM_001320874.2); c.1808-1662G>A (NM_001149.4); short protein forms G3737D.
Identifiers: ClinVar variation 2864604 (VCV002864604.3), dbSNP rs2492518180, ClinGen allele CA376997466.

ClinVar aggregate classification (germline): Uncertain significance (1 of 4 stars; one submission).

Allele frequency attached by ClinVar (database versions not stated): gnomAD exomes below 0.00001.
gnomAD v4.1: 3 of 1,614,032 alleles (0.00019%); highest among the groups gnomAD compares: Non-Finnish European, 0.000085%; no homozygotes.

Submission:

Labcorp Genetics (formerly Invitae), Labcorp
Classification: Uncertain significance. Last evaluated: 2023-05-15. Review status: criteria provided, single submitter. Criteria: Invitae Variant Classification Sherloc (09022015). Collection method: clinical testing. Allele origin: germline.
Comment: This variant has not been reported in the literature in individuals affected with ANK3-related conditions. This variant is not present in population databases (gnomAD no frequency). Advanced modeling of protein sequence and biophysical properties (such as structural, functional, and spatial information, amino acid conservation, physicochemical variation, residue mobility, and thermodynamic stability) performed at Invitae indicates that this missense variant is not expected to disrupt ANK3 protein function. This sequence change replaces glycine, which is neutral and non-polar, with aspartic acid, which is acidic and polar, at codon 3737 of the ANK3 protein (p.Gly3737Asp). In summary, the available evidence is currently insufficient to determine the role of this variant in disease. Therefore, it has been classified as a Variant of Uncertain Significance.